The following is an entry in ClinVar:

ClinVar aggregate classification (germline): Uncertain significance (0 of 4 stars; one submission).

Conditions:
RPGRIP1L-related disorder. Also called: RPGRIP1L-related condition; RPGRIP1L-related disorders. Identifiers: MedGen CN239416.

gnomAD v4.1: 1 of 1,613,692 alleles (0.000062%); highest among the groups gnomAD compares: Non-Finnish European, 0.000085%; no homozygotes.

Submission:

PreventionGenetics, part of Exact Sciences
Classification: Uncertain significance for RPGRIP1L-related condition. Last evaluated: 2024-09-16. Review status: no assertion criteria provided. Collection method: clinical testing. Allele origin: germline.
Comment: The RPGRIP1L c.688G>A variant is predicted to result in the amino acid substitution p.Glu230Lys. To our knowledge, this variant has not been reported in the literature or in a large population database, indicating this variant is rare. At this time, the clinical significance of this variant is uncertain due to the absence of conclusive functional and genetic evidence.

NM_015272.5(RPGRIP1L):c.688G>A (p.Glu230Lys)

Gene: RPGRIP1L (RPGRIP1 like; minus strand). Cytogenetic location: 16q12.2.
Variant type: single nucleotide variant.
Coding change: c.688G>A on transcript NM_015272.5 (MANE Select); coding-DNA position 688, G replaced by A.
Protein change: p.Glu230Lys; replaces glutamic acid 230 with lysine.
Molecular consequence: missense variant.
Genome position (GRCh38, 1-based): chr16:53,686,521, C>T on the plus strand (G>A on the coding strand, the complement: RPGRIP1L is on the minus strand). VCF-style: chr16-53686521-C-T. GRCh37 (hg19) VCF-style: chr16-53720433-C-T.
Other names: c.688G>A, p.Glu230Lys (NM_001127897.4, NM_001308334.3, NM_001330538.2); short protein forms E230K.
Identifiers: ClinVar variation 3344622 (VCV003344622.1).
Genomic context (GRCh38, chr16:53,686,521, plus strand): 5'-GCTGAAGAAGAGATAACTCAATTTCATTTTCTTTTCTCCTCAACTGAGTTTTCAGGATCT[C>T]AGCCAAGTGCTCTAACTCCTCTATCTGGCCTCTTTGTGACTGAATAACGTTTTCTCTGAA-3'
Protein context (NP_056087.2, residues 220-240): GQIEELEHLA[Glu230Lys]ILKTQLRRKE